The following is an entry in ClinVar:

NM_001005242.3(PKP2):c.357T>G (p.Tyr119Ter)

Gene: PKP2 (plakophilin 2; minus strand). Cytogenetic location: 12p11.21.
Variant type: single nucleotide variant.
Coding change: c.357T>G on transcript NM_001005242.3 (MANE Select); coding-DNA position 357, T replaced by G.
Protein change: p.Tyr119Ter; replaces tyrosine 119 with a stop codon.
Molecular consequence: nonsense.
Genome position (GRCh38, 1-based): chr12:32,878,523, A>C on the plus strand (T>G on the coding strand, the complement: PKP2 is on the minus strand). VCF-style: chr12-32878523-A-C. GRCh37 (hg19) VCF-style: chr12-33031457-A-C.
Other names: c.357T>G, p.Tyr119Ter (NM_001407155.1, NM_001407156.1, NM_001407157.1 and 2 more transcripts); c.30T>G, p.Tyr10Ter (NM_001407158.1, NM_001407159.1, NM_001407160.1 and 1 more transcripts); short protein forms Y10*, Y119*.
Identifiers: ClinVar variation 2989116 (VCV002989116.4), dbSNP rs758097199, ClinGen allele CA384365476.

ClinVar aggregate classification (germline): Pathogenic. Review status: criteria provided, multiple submitters, no conflicts (2 of 4 stars). 2 submissions from 2 submitters: Pathogenic (2). Last evaluated 2024-11-25.

Conditions:
Arrhythmogenic right ventricular dysplasia 9 (ARVD9). Also called: Arrhythmogenic Right Ventricular Dysplasia/Cardiomyopathy 9; ARRHYTHMOGENIC RIGHT VENTRICULAR DYSPLASIA, FAMILIAL, 9. Identifiers: MedGen C1836906, MONDO:0012180, OMIM 609040.
Cardiovascular phenotype. Identifiers: MedGen CN230736.

Allele frequency attached by ClinVar (database versions not stated): TOPMed below 0.00001.

Submissions (2):

Ambry Genetics
Classification: Pathogenic for Cardiovascular phenotype. Last evaluated: 2024-11-25. Review status: criteria provided, single submitter. Criteria: Ambry Variant Classification Scheme 2023. Collection method: clinical testing. Allele origin: germline.
Comment: The c.357T>G (p.Y119*) alteration, located in exon 3 (coding exon 3) of the PKP2 gene, consists of a T to G substitution at nucleotide position 357. This changes the amino acid from a tyrosine (Y) to a stop codon at amino acid position 119. This alteration is expected to result in loss of function by premature protein truncation or nonsense-mediated mRNA decay. This variant was not reported in population-based cohorts in the Genome Aggregation Database (gnomAD). This variant was reported in an individual with features consistent with arrhythmogenic right ventricular cardiomyopathy (ARVC) (Nagyova, 2023). Based on the available evidence, this alteration is classified as pathogenic.

Labcorp Genetics (formerly Invitae), Labcorp
Classification: Pathogenic for Arrhythmogenic right ventricular dysplasia 9. Last evaluated: 2023-11-14. Review status: criteria provided, single submitter. Criteria: Invitae Variant Classification Sherloc (09022015). Collection method: clinical testing. Allele origin: germline.
Comment: This sequence change creates a premature translational stop signal (p.Tyr119*) in the PKP2 gene. It is expected to result in an absent or disrupted protein product. Loss-of-function variants in PKP2 are known to be pathogenic (PMID: 15489853, 23911551). This variant is not present in population databases (gnomAD no frequency). This premature translational stop signal has been observed in individual(s) with clinical features of arrhythmogenic cardiomyopathy (PMID: 27532257). For these reasons, this variant has been classified as Pathogenic.

Literature cited by the submitters: PubMed 37418234 (cited by Ambry Genetics); PubMed 15489853 (cited by Labcorp Genetics (formerly Invitae), Labcorp); PubMed 23911551 (cited by Labcorp Genetics (formerly Invitae), Labcorp); PubMed 27532257 (cited by Labcorp Genetics (formerly Invitae), Labcorp).